The following is an entry in ClinVar:

NM_206933.4(USH2A):c.14303A>G (p.Tyr4768Cys)

Gene: USH2A (usherin; minus strand). Cytogenetic location: 1q41.
Variant type: single nucleotide variant.
Coding change: c.14303A>G on transcript NM_206933.4 (MANE Select); coding-DNA position 14303, A replaced by G.
Protein change: p.Tyr4768Cys; replaces tyrosine 4768 with cysteine.
Molecular consequence: missense variant.
Genome position (GRCh38, 1-based): chr1:215,650,632, T>C on the plus strand (A>G on the coding strand, the complement: USH2A is on the minus strand). VCF-style: chr1-215650632-T-C. GRCh37 (hg19) VCF-style: chr1-215823974-T-C.
Other names: short protein forms Y4768C.
Identifiers: ClinVar variation 1041259 (VCV001041259.9), dbSNP rs1657029417, ClinGen allele CA344835048.
Genomic context (GRCh38, chr1:215,650,632, plus strand): 5'-TTTTTAGCTCTGCTGCTCACCACTGTCTCAGCCCCATGGGCGCTGCTGGAGAACAGCCTG[T>C]AGAGACTGACGATCCCGTTGGGCTTCCCAGGGGCACTGATGTTGACCACTGCTTGGGTAG-3'
Protein context (NP_996816.3, residues 4758-4778): PGKPNGIVSL[Tyr4768Cys]RLFSSSAHGA

ClinVar aggregate classification (germline): Pathogenic (1 of 4 stars; one submission).

Submission:

Labcorp Genetics (formerly Invitae), Labcorp
Classification: Pathogenic. Last evaluated: 2025-03-31. Review status: criteria provided, single submitter. Criteria: Invitae Variant Classification Sherloc (09022015). Collection method: clinical testing. Allele origin: germline.
Comment: This sequence change replaces tyrosine, which is neutral and polar, with cysteine, which is neutral and slightly polar, at codon 4768 of the USH2A protein (p.Tyr4768Cys). This variant is not present in population databases (gnomAD no frequency). This missense change has been observed in individual(s) with retinitis pigmentosa (internal data). In at least one individual the data is consistent with being in trans (on the opposite chromosome) from a pathogenic variant. ClinVar contains an entry for this variant (Variation ID: 1041259). Invitae Evidence Modeling of protein sequence and biophysical properties (such as structural, functional, and spatial information, amino acid conservation, physicochemical variation, residue mobility, and thermodynamic stability) indicates that this missense variant is expected to disrupt USH2A protein function with a positive predictive value of 95%. For these reasons, this variant has been classified as Pathogenic.